The following is an entry in ClinVar:

ClinVar aggregate classification (germline): Likely benign (1 of 4 stars; one submission).

gnomAD v4.1: 1 of 1,589,368 alleles (0.000063%); no homozygotes.

Submission:

Mayo Clinic Laboratories, Mayo Clinic
Classification: Likely benign. Last evaluated: 2025-02-03. Review status: criteria provided, single submitter. Criteria: ACMG Guidelines, 2015. Collection method: clinical testing. Allele origin: germline. Observed: 1 variant allele.
Comment: BP4, BP7

NM_004304.5(ALK):c.2799A>C (p.Gly933=)

Gene: ALK (ALK receptor tyrosine kinase; minus strand). Cytogenetic location: 2p23.2.
Variant type: single nucleotide variant.
Coding change: c.2799A>C on transcript NM_004304.5 (MANE Select); coding-DNA position 2799, A replaced by C.
Protein change: p.Gly933=; no amino-acid change (glycine 933 retained).
Molecular consequence: synonymous variant.
Genome position (GRCh38, 1-based): chr2:29,228,900, T>G on the plus strand (A>C on the coding strand, the complement: ALK is on the minus strand). VCF-style: chr2-29228900-T-G. GRCh37 (hg19) VCF-style: chr2-29451766-T-G.
Other names: p.Gly933=.
Identifiers: ClinVar variation 4684557 (VCV004684557.1).